The following is an entry in ClinVar:

NM_000059.4(BRCA2):c.4227A>G (p.Leu1409=)

Gene: BRCA2 (BRCA2 DNA repair associated; plus strand). Cytogenetic location: 13q13.1.
Variant type: single nucleotide variant.
Coding change: c.4227A>G on transcript NM_000059.4 (MANE Select); coding-DNA position 4227, A replaced by G.
Protein change: p.Leu1409=; no amino-acid change (leucine 1409 retained).
Molecular consequence: synonymous variant. On other transcripts: non-coding transcript variant (1), intron variant (2).
Genome position (GRCh38, 1-based): chr13:32,338,582, A>G. VCF-style: chr13-32338582-A-G. GRCh37 (hg19) VCF-style: chr13-32912719-A-G.
Other names: c.4227A>G, p.Leu1409= (NM_001406719.1, NM_001406720.1, NM_001432077.1); c.1909+5195A>G (NM_001406721.1); c.425-5976A>G (NM_001406722.1).
Identifiers: ClinVar variation 4882890 (VCV004882890.2).

ClinVar aggregate classification (germline): Uncertain significance (1 of 4 stars; one submission).

Conditions:
Breast-ovarian cancer, familial, susceptibility to, 2 (BROVCA2). Also called: BRCA2 Hereditary Breast and Ovarian Cancer. Identifiers: Orphanet 145, MedGen C2675520, MONDO:0012933, OMIM 612555. Disease mechanism: loss of function.

Submission:

Dasa
Classification: Uncertain significance for Breast-ovarian cancer, familial, susceptibility to, 2. Last evaluated: 2025-04-28. Review status: criteria provided, single submitter. Criteria: DASA Assertion Criteria. Collection method: clinical testing. Allele origin: germline.
Comment: NM_000059.4(BRCA2):c.4227A>G (p.Leu1409=) is a synonymous variant predicted not to alter the encoded amino acid sequence. This variant is absent from population databases. The currently available literature and clinical evidence are not sufficient to establish a definitive association between this variant and the reported condition. Therefore, this variant is classified as a variant of uncertain significance.